The following is an entry in ClinVar:

Conditions:
Long QT syndrome 5 (LQT5). Identifiers: Orphanet 101016, Orphanet 768, MedGen C1867904, MONDO:0013372, OMIM 613695.

Submission:

Roden Lab, Vanderbilt University Medical Center
No classification provided (evidence only). Condition: Long QT syndrome 5. Review status: no classification provided. Collection method: in vitro. Allele origin: not applicable. Functional consequence: Effect on ion channel function.
ClinVar note: "not provided" was previously submitted as the classification for the variant. However, the classification appeared to be based only on an observation of functional data so it was converted to no classification on 2025-07-30.

NM_000219.6(KCNE1):c.333C>A (p.Asn111Lys)

Gene: KCNE1 (potassium voltage-gated channel subfamily E regulatory subunit 1; minus strand). Cytogenetic location: 21q22.12.
Variant type: single nucleotide variant.
Coding change: c.333C>A on transcript NM_000219.6 (MANE Select); coding-DNA position 333, C replaced by A.
Protein change: p.Asn111Lys; replaces asparagine 111 with lysine.
Molecular consequence: missense variant.
Genome position (GRCh38, 1-based): chr21:34,449,302, G>T on the plus strand (C>A on the coding strand, the complement: KCNE1 is on the minus strand). VCF-style: chr21-34449302-G-T. GRCh37 (hg19) VCF-style: chr21-35821600-G-T.
Other names: c.333C>A, p.Asn111Lys (NM_001127668.4, NM_001127669.4, NM_001127670.4 and 4 more transcripts); short protein forms N111K.
Identifiers: ClinVar variation 3374666 (VCV003374666.2).